The following is an entry in ClinVar:

ClinVar aggregate classification (germline): Pathogenic (1 of 4 stars; one submission).

Submission:

ISCA site 17
Classification: Pathogenic. Last evaluated: 2011-08-12. Review status: criteria provided, single submitter. Criteria: Kaminsky et al. (Genet Med. 2011). Collection method: clinical testing. Allele origin: unknown. Affected: yes. Observed: 1 variant allele.
Comment: Copy number variation identified through the course of routine clinical cytogenomic testing in postnatal populations. Clinical assertions have been curated as described in Kaminsky et al. 2011.

GRCh38/hg38 9p24.3-24.2(chr9:280255-3905421)x1

Genes: DMRT1 (doublesex and mab-3 related transcription factor 1; plus strand), DMRT2 (doublesex and mab-3 related transcription factor 2; plus strand), DMRT3 (doublesex and mab-3 related transcription factor 3; plus strand), DOCK8 (dedicator of cytokinesis 8; plus strand), GLIS3 (GLIS family zinc finger 3; minus strand) and 71 more. Cytogenetic location: 9p24.3-24.2.
Variant type: copy number loss.
Change: copy number 1 (one copy instead of two) of chr9:280,255-3,905,421 (3.63 Mb, GRCh38 coordinates, 1-based), cytogenetic band 9p24.3-24.2.
Identifiers: ClinVar variation 59066 (VCV000059066.1).